The following is an entry in ClinVar:

ClinVar aggregate classification (germline): Benign (1 of 4 stars; one submission).

Conditions:
Combined oxidative phosphorylation defect type 8. Also called: CARDIOMYOPATHY, HYPERTROPHIC MITOCHONDRIAL, FATAL INFANTILE. Identifiers: Orphanet 319504, MedGen C4518839, MONDO:0013570, OMIM 614096.

Allele frequency attached by ClinVar (database versions not stated): 1000 Genomes Project 30x 0.86415; 1000 Genomes Project 0.86941; TOPMed 0.87138; gnomAD 0.87948 and 0.88516.
gnomAD v4.1: 134,577 of 151,906 alleles (89%); highest among the groups gnomAD compares: East Asian, 100%; 60,931 homozygotes.

Submission:

Illumina Laboratory Services, Illumina
Classification: Benign for Combined oxidative phosphorylation defect type 8. Last evaluated: 2018-01-12. Review status: criteria provided, single submitter. Criteria: ICSL Variant Classification Criteria 13 December 2019. Collection method: clinical testing. Allele origin: germline.
Comment: This variant was observed in the ICSL laboratory as part of a predisposition screen in an ostensibly healthy population. It had not been previously curated by ICSL or reported in the Human Gene Mutation Database (HGMD: prior to June 1st, 2018), and was therefore a candidate for classification through an automated scoring system. Utilizing variant allele frequency, disease prevalence and penetrance estimates, and inheritance mode, an automated score was calculated to assess if this variant is too frequent to cause the disease. Based on the score and internal cut-off values, a variant classified as benign is not then subjected to further curation. The score for this variant resulted in a classification of benign for this disease.

NM_020745.4(AARS2):c.*1359A>G

Gene: AARS2 (alanyl-tRNA synthetase 2, mitochondrial; minus strand). Cytogenetic location: 6p21.1.
Variant type: single nucleotide variant.
Coding change: c.*1359A>G on transcript NM_020745.4 (MANE Select); 1359 bases downstream of the stop codon, A replaced by G.
Molecular consequence: 3 prime UTR variant.
Genome position (GRCh38, 1-based): chr6:44,299,188, T>C on the plus strand (A>G on the coding strand, the complement: AARS2 is on the minus strand). VCF-style: chr6-44299188-T-C. GRCh37 (hg19) VCF-style: chr6-44266925-T-C.
Identifiers: ClinVar variation 357032 (VCV000357032.5), dbSNP rs534416, ClinGen allele CA10627021.